The following is an entry in ClinVar:

NM_003041.4(SLC5A2):c.950G>A (p.Cys317Tyr)

Gene: SLC5A2 (solute carrier family 5 member 2; plus strand). Cytogenetic location: 16p11.2.
Variant type: single nucleotide variant.
Coding change: c.950G>A on transcript NM_003041.4 (MANE Select); coding-DNA position 950, G replaced by A.
Protein change: p.Cys317Tyr; replaces cysteine 317 with tyrosine.
Molecular consequence: missense variant. On other transcripts: non-coding transcript variant (1).
Genome position (GRCh38, 1-based): chr16:31,488,102, G>A. VCF-style: chr16-31488102-G-A. GRCh37 (hg19) VCF-style: chr16-31499423-G-A.
Other names: short protein forms C317Y.
Identifiers: ClinVar variation 3390527 (VCV003390527.1).

ClinVar aggregate classification (germline): Uncertain significance (1 of 4 stars; one submission).

gnomAD v4.1: 9 of 1,614,118 alleles (0.00056%); highest among the groups gnomAD compares: South Asian, 0.0088%; no homozygotes.

Submission:

GeneDx
Classification: Uncertain significance. Last evaluated: 2024-06-16. Review status: criteria provided, single submitter. Criteria: GeneDx Variant Classification Process June 2021. Collection method: clinical testing. Allele origin: germline. Affected: yes.
Comment: In silico analysis supports that this missense variant has a deleterious effect on protein structure/function; Has not been previously published as pathogenic or benign to our knowledge